The following is an entry in ClinVar:

NM_000135.4(FANCA):c.523-1G>T

Gene: FANCA (FA complementation group A; minus strand). Cytogenetic location: 16q24.3.
Variant type: single nucleotide variant.
Coding change: c.523-1G>T on transcript NM_000135.4 (MANE Select); the canonical splice acceptor site of the intron before coding-DNA position 523, G replaced by T.
Molecular consequence: splice acceptor variant.
Genome position (GRCh38, 1-based): chr16:89,808,368, C>A on the plus strand (G>T on the coding strand, the complement: FANCA is on the minus strand). VCF-style: chr16-89808368-C-A. GRCh37 (hg19) VCF-style: chr16-89874776-C-A.
Other names: c.523-1G>T (NM_000135.3, NM_001286167.3, NM_001018112.3); c.427-1G>T (NM_001351830.2).
Identifiers: ClinVar variation 551280 (VCV000551280.14), dbSNP rs1477653630, ClinGen allele CA397479486.

ClinVar aggregate classification (germline): Likely pathogenic. Review status: criteria provided, multiple submitters, no conflicts (2 of 4 stars). 4 submissions from 4 submitters: Likely pathogenic (2). 2 of the submissions do not count toward it. Last evaluated 2024-02-28.

Conditions:
Fanconi anemia (FA). Also called: Fanconi's anemia. Identifiers: Orphanet 84, MedGen C0015625, MeSH D005199, MONDO:0019391.
Fanconi anemia complementation group A (FANCA). Also called: Fanconi anemia, group A; FANCA-Related Fanconi Anemia. Identifiers: Orphanet 84, MedGen C3469521, MONDO:0009215, OMIM 227650.

Allele frequency attached by ClinVar (database versions not stated): TOPMed 0.00001.

Submissions (4):

Natera, Inc.
Classification: Likely pathogenic for Fanconi anemia. Last evaluated: 2024-02-28. Review status: criteria provided, single submitter. Criteria: Natera Variant Classification Schema (03/2026). Collection method: clinical testing. Allele origin: germline.
Comment: The c.523-1G>T variant in FANCA is a canonical splice acceptor site variant predicted to affect pre-mRNA splicing, which may result in an abnormal transcript and altered protein product. This variant is expected to result in nonsense mediated decay, truncation, or a dysfunctional protein product. This variant is rare in the general population with a frequency below the threshold expected for the associated phenotype(s). Given the available evidence, this variant is classified as Likely Pathogenic.

Labcorp Genetics (formerly Invitae), Labcorp
Classification: Likely pathogenic for Fanconi anemia. Last evaluated: 2020-02-12. Review status: criteria provided, single submitter. Criteria: Invitae Variant Classification Sherloc (09022015). Collection method: clinical testing. Allele origin: germline.
Comment: This sequence change affects an acceptor splice site in intron 5 of the FANCA gene. It is expected to disrupt RNA splicing and likely results in an absent or disrupted protein product. In summary, the currently available evidence indicates that the variant is pathogenic, but additional data are needed to prove that conclusively. Therefore, this variant has been classified as Likely Pathogenic. Donor and acceptor splice site variants typically lead to a loss of protein function (PMID: 16199547), and loss-of-function variants in FANCA are known to be pathogenic (PMID: 19367192). Algorithms developed to predict the effect of sequence changes on RNA splicing suggest that this variant may disrupt the consensus splice site, but this prediction has not been confirmed by published transcriptional studies. This variant has not been reported in the literature in individuals with FANCA-related conditions. ClinVar contains an entry for this variant (Variation ID: 551280). This variant is not present in population databases (ExAC no frequency).

Genetic Services Laboratory, University of Chicago
Classification: Likely pathogenic. Last evaluated: 2022-10-14. Review status: no assertion criteria provided. Collection method: clinical testing. Allele origin: germline. Affected: yes. Not counted in ClinVar's aggregate classification.
Comment: DNA sequence analysis of the FANCA gene demonstrated a sequence change in the canonical splice acceptor site of intron 5, c.523-1G>T. This sequence change does not appear to have been previously described in individuals with FANCA-related disorders and has also not been described in population databases such as ExAC and gnomAD. This sequence change is predicted to affect normal splicing of the FANCA gene and result in an abnormal/unstable protein. Loss-of-function variants in FANCA are known to be pathogenic (PMID: 19367192). This sequence change is likely pathogenic, however functional studies have not been performed to prove this conclusively.

Counsyl
Classification: Likely pathogenic for Fanconi anemia complementation group A. Last evaluated: 2017-03-29. Review status: no assertion criteria provided. Collection method: clinical testing. Allele origin: unknown. Not counted in ClinVar's aggregate classification.

Literature cited by the submitters: PubMed 16199547 (cited by Labcorp Genetics (formerly Invitae), Labcorp); PubMed 19367192 (cited by Labcorp Genetics (formerly Invitae), Labcorp).